The following is an entry in ClinVar:

NM_000465.4(BARD1):c.216-14_216-7delinsAA

Gene: BARD1 (BRCA1 associated RING domain 1; minus strand). Cytogenetic location: 2q35.
Variant type: Indel.
Coding change: c.216-14_216-7delinsAA on transcript NM_000465.4 (MANE Select); 14 bases into the intron before coding-DNA position 216 through 7 bases into the intron before coding-DNA position 216, TAATTATT replaced by AA.
Molecular consequence: intron variant.
Genome position (GRCh38, 1-based): chr2:214,792,452-214,792,459, AATAATTA replaced by TT on the plus strand (TAATTATT replaced by AA on the coding strand, the reverse complement: BARD1 is on the minus strand). VCF-style: chr2-214792452-AATAATTA-TT. GRCh37 (hg19) VCF-style: chr2-215657176-AATAATTA-TT.
Other names: c.158+16953_158+16960delinsAA (NM_001282548.2); c.159-14_159-7delinsAA (NM_001282543.2); c.215+4602_215+4609delinsAA (NM_001282545.2); c.216-14_216-7delinsAA (NM_001282549.2).
Identifiers: ClinVar variation 945589 (VCV000945589.10), dbSNP rs1695570677, ClinGen allele CA1139655682.

ClinVar aggregate classification (germline): Uncertain significance (1 of 4 stars; one submission).

Conditions:
Familial cancer of breast. Also called: hereditary breast carcinoma; BREAST CANCER, FAMILIAL; Hereditary breast cancer. Identifiers: Orphanet 227535, MedGen C0346153, MONDO:0016419, OMIM 114480. Disease mechanism: loss of function.

Submission:

Labcorp Genetics (formerly Invitae), Labcorp
Classification: Uncertain significance for Familial cancer of breast. Last evaluated: 2019-04-16. Review status: criteria provided, single submitter. Criteria: Invitae Variant Classification Sherloc (09022015). Collection method: clinical testing. Allele origin: germline.
Comment: This sequence change falls in intron 2 of the BARD1 gene. It does not directly change the encoded amino acid sequence of the BARD1 protein. In summary, the available evidence is currently insufficient to determine the role of this variant in disease. Therefore, it has been classified as a Variant of Uncertain Significance. Algorithms developed to predict the effect of sequence changes on RNA splicing suggest that this variant may disrupt the consensus splice site, but this prediction has not been confirmed by published transcriptional studies. This variant has not been reported in the literature in individuals with BARD1-related conditions. This variant is not present in population databases (ExAC no frequency).